The following is an entry in ClinVar:

NM_021813.4(BACH2):c.1817T>G (p.Val606Gly)

Gene: BACH2 (BACH transcriptional regulator 2; minus strand). Cytogenetic location: 6q15.
Variant type: single nucleotide variant.
Coding change: c.1817T>G on transcript NM_021813.4 (MANE Select); coding-DNA position 1817, T replaced by G.
Protein change: p.Val606Gly; replaces valine 606 with glycine.
Molecular consequence: missense variant.
Genome position (GRCh38, 1-based): chr6:89,950,289, A>C on the plus strand (T>G on the coding strand, the complement: BACH2 is on the minus strand). VCF-style: chr6-89950289-A-C. GRCh37 (hg19) VCF-style: chr6-90660008-A-C.
Other names: c.1817T>G, p.Val606Gly (NM_001170794.2); short protein forms V606G.
Identifiers: ClinVar variation 4823069 (VCV004823069.4).
Genomic context (GRCh38, chr6:89,950,289, plus strand): 5'-AGAGAGTGGGTCACATGCTTGAATTTATGTGGGTTCCCTACCTCCTGGCCCCTGTCCTGC[A>C]CAGGACACGACTCACTGTCTGCTTCCGAGAACGATCCGGATTCGTCACTGGAGTTGGTTC-3'
Protein context (NP_068585.1, residues 596-616): FSEADSESCP[Val606Gly]QDRGQEVKLP

ClinVar aggregate classification (germline): Uncertain significance (1 of 4 stars; one submission).

Submission:

CeGaT Center for Human Genetics Tuebingen
Classification: Uncertain significance. Last evaluated: 2026-01-01. Review status: criteria provided, single submitter. Criteria: CeGaT Center For Human Genetics Tuebingen Variant Classification Criteria Version 2. Collection method: clinical testing. Allele origin: germline. Affected: yes. Observed: 1 variant allele.
Comment: BACH2: PM2